The following is an entry in ClinVar:

ClinVar aggregate classification (germline): Uncertain significance (1 of 4 stars; one submission).

Conditions:
Epidermolysis bullosa simplex, Ogna type (EBS5A). Also called: Pidermolysis bullosa simplex 5A, Ogna type; EPIDERMOLYSIS BULLOSA SIMPLEX 5A, OGNA TYPE. Identifiers: Orphanet 79401, MedGen C0432317, MONDO:0007555, OMIM 131950.
Epidermolysis bullosa simplex 5C, with pyloric atresia (EBS5C). Also called: Epidermolysis bullosa simplex with pyloric atresia; PLEC-Related Epidermolysis Bullosa with Pyloric Atresia; PLEC1-Related Epidermolysis Bullosa with Pyloric Atresia. Identifiers: Orphanet 158684, MedGen C2677349, MONDO:0012807, OMIM 612138.
Epidermolysis bullosa simplex with nail dystrophy (EBS5D). Identifiers: MedGen C4225309, MONDO:0014661, OMIM 616487.
Epidermolysis bullosa simplex 5B, with muscular dystrophy (EBS5B). Also called: EPIDERMOLYSIS BULLOSA SIMPLEX AND LIMB-GIRDLE MUSCULAR DYSTROPHY; Epidermolysis bullosa simplex with muscular dystrophy. Identifiers: Orphanet 257, MedGen C2931072, MONDO:0009181, OMIM 226670.
Autosomal recessive limb-girdle muscular dystrophy type 2Q (LGMDR17). Also called: MUSCULAR DYSTROPHY, LIMB-GIRDLE, AUTOSOMAL RECESSIVE 17. Identifiers: Orphanet 254361, MedGen C3150989, MONDO:0013390, OMIM 613723.

Allele frequency attached by ClinVar (database versions not stated): gnomAD 0.00002 and 0.00003; TOPMed 0.00002.
gnomAD v4.1: 26 of 1,611,490 alleles (0.0016%); highest among the groups gnomAD compares: Admixed American, 0.0067%; no homozygotes.

Submission:

Labcorp Genetics (formerly Invitae), Labcorp
Classification: Uncertain significance for Autosomal recessive limb-girdle muscular dystrophy type 2Q; Epidermolysis bullosa simplex, Ogna type; Epidermolysis bullosa simplex with nail dystrophy; Epidermolysis bullosa simplex 5C, with pyloric atresia; Epidermolysis bullosa simplex 5B, with muscular dystrophy. Last evaluated: 2025-05-11. Review status: criteria provided, single submitter. Criteria: Invitae Variant Classification Sherloc (09022015). Collection method: clinical testing. Allele origin: germline.
Comment: This sequence change replaces alanine, which is neutral and non-polar, with threonine, which is neutral and polar, at codon 4446 of the PLEC protein (p.Ala4446Thr). This variant is present in population databases (rs782427593, gnomAD 0.006%). This variant has not been reported in the literature in individuals affected with PLEC-related conditions. ClinVar contains an entry for this variant (Variation ID: 652755). Invitae Evidence Modeling of protein sequence and biophysical properties (such as structural, functional, and spatial information, amino acid conservation, physicochemical variation, residue mobility, and thermodynamic stability) indicates that this missense variant is not expected to disrupt PLEC protein function with a negative predictive value of 80%. In summary, the available evidence is currently insufficient to determine the role of this variant in disease. Therefore, it has been classified as a Variant of Uncertain Significance.

NM_201384.3(PLEC):c.13255G>A (p.Ala4419Thr)

Gene: PLEC (plectin; minus strand). Cytogenetic location: 8q24.3.
Variant type: single nucleotide variant.
Coding change: c.13255G>A on transcript NM_201384.3 (MANE Select); coding-DNA position 13255, G replaced by A.
Protein change: p.Ala4419Thr; replaces alanine 4419 with threonine.
Molecular consequence: missense variant.
Genome position (GRCh38, 1-based): chr8:143,916,566, C>T on the plus strand (G>A on the coding strand, the complement: PLEC is on the minus strand). VCF-style: chr8-143916566-C-T. GRCh37 (hg19) VCF-style: chr8-144990734-C-T.
Other names: c.13336G>A, p.Ala4446Thr (NM_000445.5); c.13213G>A, p.Ala4405Thr (NM_201378.4); c.13189G>A, p.Ala4397Thr (NM_201379.3); c.13666G>A, p.Ala4556Thr (NM_201380.4); c.13159G>A, p.Ala4387Thr (NM_201381.3); c.13255G>A, p.Ala4419Thr (NM_201382.4); c.13267G>A, p.Ala4423Thr (NM_201383.3); short protein forms A4397T, A4405T, A4423T, A4446T, A4387T, A4419T, A4556T.
Identifiers: ClinVar variation 652755 (VCV000652755.7), dbSNP rs782427593, ClinGen allele CA4923866.
Genomic context (GRCh38, chr8:143,916,566, plus strand): 5'-TAGGGCAGGTGAGGTACTTGGAGTAGGCGCCCACGTCACGCAGCTTCTGTGCGGTGCGGG[C>T]GTCCACCGTGCCGCGCTGCAGGGCCTCGTCCAGGGGCACGCGGCCCGGCGTGTCGGGCTC-3'
Protein context (NP_958786.1, residues 4409-4429): DEALQRGTVD[Ala4419Thr]RTAQKLRDVG